The following is an entry in ClinVar:

ClinVar aggregate classification (germline): Uncertain significance. Review status: criteria provided, multiple submitters, no conflicts (2 of 4 stars). 6 submissions from 6 submitters: Uncertain significance (4). 2 of the submissions do not count toward it. Last evaluated 2025-10-13.

Conditions:
VPS13B-related disorder. Also called: VPS13B-related condition.
Cohen syndrome (COH1). Also called: Cutis verticis gyrata, retinitis pigmentosa, and sensorineural deafness; PEPPER SYNDROME. Identifiers: Orphanet 193, MedGen C0265223, MONDO:0008999, OMIM 216550.

Allele frequency attached by ClinVar (database versions not stated): gnomAD 0.00003 and 0.00004; gnomAD exomes 0.00006; TOPMed 0.00006; ESP Exome Variant Server 0.00008; ExAC 0.00012.
gnomAD v4.1: 105 of 1,613,440 alleles (0.0065%); highest among the groups gnomAD compares: Non-Finnish European, 0.0076%; no homozygotes.

Submissions (6):

Labcorp Genetics (formerly Invitae), Labcorp
Classification: Uncertain significance for Cohen syndrome. Last evaluated: 2025-10-13. Review status: criteria provided, single submitter. Criteria: Invitae Variant Classification Sherloc (09022015). Collection method: clinical testing. Allele origin: germline.
Comment: This sequence change replaces arginine, which is basic and polar, with tryptophan, which is neutral and slightly polar, at codon 532 of the VPS13B protein (p.Arg532Trp). This variant is present in population databases (rs369930405, gnomAD 0.01%). This variant has not been reported in the literature in individuals affected with VPS13B-related conditions. ClinVar contains an entry for this variant (Variation ID: 448874). Invitae Evidence Modeling of protein sequence and biophysical properties (such as structural, functional, and spatial information, amino acid conservation, physicochemical variation, residue mobility, and thermodynamic stability) indicates that this missense variant is expected to disrupt VPS13B protein function with a positive predictive value of 80%. In summary, the available evidence is currently insufficient to determine the role of this variant in disease. Therefore, it has been classified as a Variant of Uncertain Significance.

Blueprint Genetics
Classification: Uncertain significance. Last evaluated: 2023-10-25. Review status: criteria provided, single submitter. Criteria: ACMG Guidelines, 2015. Collection method: clinical testing. Allele origin: germline.

GeneDx
Classification: Uncertain significance. Last evaluated: 2021-06-29. Review status: criteria provided, single submitter. Criteria: GeneDx Variant Classification Process June 2021. Collection method: clinical testing. Allele origin: germline. Affected: yes.
Comment: Not observed at significant frequency in large population cohorts (Lek et al., 2016); In silico analysis supports that this missense variant has a deleterious effect on protein structure/function; Has not been previously published as pathogenic or benign to our knowledge; This variant is associated with the following publications: (PMID: 27535533)

Athena Diagnostics
Classification: Uncertain significance. Last evaluated: 2016-08-16. Review status: criteria provided, single submitter. Criteria: Athena Diagnostics Criteria. Collection method: clinical testing. Allele origin: germline.

PreventionGenetics, part of Exact Sciences
Classification: Uncertain significance for VPS13B-related condition. Last evaluated: 2024-05-15. Review status: no assertion criteria provided. Collection method: clinical testing. Allele origin: germline. Not counted in ClinVar's aggregate classification.
Comment: The VPS13B c.1594C>T variant is predicted to result in the amino acid substitution p.Arg532Trp. To our knowledge, this variant has not been reported in the literature. This variant is reported in 0.011% of alleles in individuals of European (Non-Finnish) descent in gnomAD. At this time, the clinical significance of this variant is uncertain due to the absence of conclusive functional and genetic evidence.

Natera, Inc.
Classification: Uncertain significance for Cohen syndrome. Last evaluated: 2019-11-11. Review status: no assertion criteria provided. Collection method: clinical testing. Allele origin: germline. Not counted in ClinVar's aggregate classification.

NM_152564.5(VPS13B):c.1594C>T (p.Arg532Trp)

Gene: VPS13B (vacuolar protein sorting 13 homolog B; plus strand). Cytogenetic location: 8q22.2.
Variant type: single nucleotide variant.
Coding change: c.1594C>T on transcript NM_152564.5 (MANE Select); coding-DNA position 1594, C replaced by T.
Protein change: p.Arg532Trp; replaces arginine 532 with tryptophan.
Molecular consequence: missense variant.
Genome position (GRCh38, 1-based): chr8:99,136,695, C>T. VCF-style: chr8-99136695-C-T. GRCh37 (hg19) VCF-style: chr8-100148923-C-T.
Other names: c.1594C>T (NM_152564.4); c.1594C>T, p.Arg532Trp (NM_015243.3, NM_017890.5); short protein forms R532W.
Identifiers: ClinVar variation 448874 (VCV000448874.10), dbSNP rs369930405, ClinGen allele CA4822681.